The following is an entry in ClinVar:

ClinVar aggregate classification (germline): Uncertain significance (1 of 4 stars; one submission).

Conditions:
Joubert syndrome 32 (JBTS32). Identifiers: MedGen C4540342, MONDO:0033309, OMIM 617757.

Submission:

MVZ Medizinische Genetik Mainz
Classification: Uncertain significance for Joubert syndrome 32. Last evaluated: 2023-06-14. Review status: criteria provided, single submitter. Criteria: UK Practice Guidelines For Variant Classification V4 01 2020. Collection method: clinical testing. Allele origin: germline. Inheritance: Autosomal dominant inheritance. Affected: yes. Observed: 1 variant allele.
Comment: ACMG Criteria: PM2_SUP_MOD,PP3

NM_016169.4(SUFU):c.1365+5G>C

Gene: SUFU (SUFU negative regulator of hedgehog signaling; plus strand). Cytogenetic location: 10q24.32.
Variant type: single nucleotide variant.
Coding change: c.1365+5G>C on transcript NM_016169.4 (MANE Select); 5 bases into the intron after coding-DNA position 1365, G replaced by C.
Molecular consequence: intron variant.
Genome position (GRCh38, 1-based): chr10:102,627,248, G>C. VCF-style: chr10-102627248-G-C. GRCh37 (hg19) VCF-style: chr10-104387005-G-C.
Identifiers: ClinVar variation 3236173 (VCV003236173.1), dbSNP rs2492837342, ClinGen allele CA2825001678.